The following is an entry in ClinVar:

ClinVar aggregate classification (germline): Uncertain significance (1 of 4 stars; one submission).

Conditions:
Wilson disease (WND). Also called: Wilson's disease. Identifiers: Orphanet 905, MedGen C0019202, MONDO:0010200, OMIM 277900. Disease mechanism: loss of function.

Submission:

Labcorp Genetics (formerly Invitae), Labcorp
Classification: Uncertain significance for Wilson disease. Last evaluated: 2022-07-15. Review status: criteria provided, single submitter. Criteria: Invitae Variant Classification Sherloc (09022015). Collection method: clinical testing. Allele origin: germline.
Comment: This variant is not present in population databases (gnomAD no frequency). In summary, the available evidence is currently insufficient to determine the role of this variant in disease. Therefore, it has been classified as a Variant of Uncertain Significance. Advanced modeling of protein sequence and biophysical properties (such as structural, functional, and spatial information, amino acid conservation, physicochemical variation, residue mobility, and thermodynamic stability) performed at Invitae indicates that this missense variant is expected to disrupt ATP7B protein function. This variant has not been reported in the literature in individuals affected with ATP7B-related conditions. This sequence change replaces serine, which is neutral and polar, with glycine, which is neutral and non-polar, at codon 1067 of the ATP7B protein (p.Ser1067Gly).

NM_000053.4(ATP7B):c.3199A>G (p.Ser1067Gly)

Gene: ATP7B (ATPase copper transporting beta; minus strand). Cytogenetic location: 13q14.3.
Variant type: single nucleotide variant.
Coding change: c.3199A>G on transcript NM_000053.4 (MANE Select); coding-DNA position 3199, A replaced by G.
Protein change: p.Ser1067Gly; replaces serine 1067 with glycine.
Molecular consequence: missense variant.
Genome position (GRCh38, 1-based): chr13:51,944,153, T>C on the plus strand (A>G on the coding strand, the complement: ATP7B is on the minus strand). VCF-style: chr13-51944153-T-C. GRCh37 (hg19) VCF-style: chr13-52518289-T-C.
Other names: c.2578A>G, p.Ser860Gly (NM_001005918.3); c.2866A>G, p.Ser956Gly (NM_001243182.2); c.2965A>G, p.Ser989Gly (NM_001330578.2, NM_001406527.1, NM_001406528.1 and 1 more transcripts); c.2947A>G, p.Ser983Gly (NM_001330579.2, NM_001406531.1, NM_001406532.1); c.3199A>G, p.Ser1067Gly (NM_001406511.1, NM_001406512.1, NM_001406526.1); c.3193A>G, p.Ser1065Gly (NM_001406513.1); c.3166A>G, p.Ser1056Gly (NM_001406514.1); c.3145A>G, p.Ser1049Gly (NM_001406515.1, NM_001406516.1); and 18 more; short protein forms S1002G, S1008G, S1019G, S1022G, S1035G, S1049G, S1056G, S1065G.
Identifiers: ClinVar variation 2427386 (VCV002427386.6), dbSNP rs2547627310, ClinGen allele CA388029927.
Genomic context (GRCh38, chr13:51,944,153, plus strand): 5'-GCCCAAGTCCACGTACCTCTTTACAGTATTTGGTGACTGCCACGCCCAAGGGGTGTTCAC[T>C]GCTGGCCTCCGCAGTCCCCACCACAGCCAGAACCTTCCTGAGGGGCAGTGTGGCCACATC-3'
Protein context (NP_000044.2, residues 1057-1077): LAVVGTAEAS[Ser1067Gly]EHPLGVAVTK